The following is an entry in ClinVar:

ClinVar aggregate classification (germline): Uncertain significance. Review status: criteria provided, multiple submitters, no conflicts (2 of 4 stars). 2 submissions from 2 submitters: Uncertain significance (2). Last evaluated 2024-01-26.

Conditions:
Aortic aneurysm, familial thoracic 7 (AAT7). Also called: AORTIC DISSECTION, FAMILIAL, WITH OR WITHOUT AORTIC ANEURYSM. Identifiers: MedGen C3151077, MONDO:0013418, OMIM 613780.

Allele frequency attached by ClinVar (database versions not stated): gnomAD exomes below 0.00001.
gnomAD v4.1: 1 of 1,614,200 alleles (0.000062%); highest among the groups gnomAD compares: Admixed American, 0.0017%; no homozygotes.

Submissions (2):

Labcorp Genetics (formerly Invitae), Labcorp
Classification: Uncertain significance for Aortic aneurysm, familial thoracic 7. Last evaluated: 2024-01-26. Review status: criteria provided, single submitter. Criteria: Invitae Variant Classification Sherloc (09022015). Collection method: clinical testing. Allele origin: germline.
Comment: This sequence change replaces leucine, which is neutral and non-polar, with methionine, which is neutral and non-polar, at codon 1699 of the MYLK protein (p.Leu1699Met). This variant is not present in population databases (gnomAD no frequency). This variant has not been reported in the literature in individuals affected with MYLK-related conditions. ClinVar contains an entry for this variant (Variation ID: 1316575). Advanced modeling of protein sequence and biophysical properties (such as structural, functional, and spatial information, amino acid conservation, physicochemical variation, residue mobility, and thermodynamic stability) performed at Invitae indicates that this missense variant is not expected to disrupt MYLK protein function with a negative predictive value of 95%. In summary, the available evidence is currently insufficient to determine the role of this variant in disease. Therefore, it has been classified as a Variant of Uncertain Significance.

GeneDx
Classification: Uncertain significance. Last evaluated: 2020-01-13. Review status: criteria provided, single submitter. Criteria: GeneDx Variant Classification Process June 2021. Collection method: clinical testing. Allele origin: germline. Affected: yes.
Comment: Has not been previously published as pathogenic or benign to our knowledge; Not observed in large population cohorts (Lek et al., 2016); In silico analysis, which includes protein predictors and evolutionary conservation, supports that this variant does not alter protein structure/function

NM_053025.4(MYLK):c.5095C>A (p.Leu1699Met)

Genes: MYLK-AS1 (MYLK antisense RNA 1; plus strand), MYLK (myosin light chain kinase; minus strand), LOC126806791 (MED14-independent group 3 enhancer GRCh37_chr3:123347871-123349070; plus strand). Cytogenetic location: 3q21.1.
Variant type: single nucleotide variant.
Coding change: c.5095C>A on transcript NM_053025.4 (MANE Select); coding-DNA position 5095, C replaced by A.
Protein change: p.Leu1699Met; replaces leucine 1699 with methionine.
Molecular consequence: missense variant. On other transcripts: intron variant (2).
Genome position (GRCh38, 1-based): chr3:123,629,493, G>T on the plus strand (C>A on the coding strand, the complement: MYLK is on the minus strand). VCF-style: chr3-123629493-G-T. GRCh37 (hg19) VCF-style: chr3-123348340-G-T.
Other names: c.4567C>A, p.Leu1523Met (NM_001321309.2); c.4888C>A, p.Leu1630Met (NM_053026.4); c.4755-2552C>A (NM_053028.4); c.4962-2552C>A (NM_053027.4); short protein forms L1523M, L1630M, L1699M.
Identifiers: ClinVar variation 1316575 (VCV001316575.3), dbSNP rs2108004424, ClinGen allele CA354233136.